The following is an entry in ClinVar:

NM_177986.5(DSG4):c.2748A>G (p.Pro916=)

Genes: DSG1-AS1 (DSG1 antisense RNA 1; minus strand), DSG4 (desmoglein 4; plus strand). Cytogenetic location: 18q12.1.
Variant type: single nucleotide variant.
Coding change: c.2748A>G on transcript NM_177986.5 (MANE Select); coding-DNA position 2748, A replaced by G.
Protein change: p.Pro916=; no amino-acid change (proline 916 retained).
Molecular consequence: synonymous variant.
Genome position (GRCh38, 1-based): chr18:31,413,220, A>G. VCF-style: chr18-31413220-A-G. GRCh37 (hg19) VCF-style: chr18-28993183-A-G.
Other names: c.2805A>G, p.Pro935= (NM_001134453.3).
Identifiers: ClinVar variation 326452 (VCV000326452.15), dbSNP rs12960081, ClinGen allele CA8927402.

ClinVar aggregate classification (germline): Benign. Review status: criteria provided, multiple submitters, no conflicts (2 of 4 stars). 4 submissions from 4 submitters: Benign (4). Last evaluated 2026-02-02.

Conditions:
Hypotrichosis 6 (HYPT6). Also called: HYPOTRICHOSIS, LOCALIZED, AUTOSOMAL RECESSIVE 1; MONILETHRIX-LIKE HYPOTRICHOSIS. Identifiers: Orphanet 55654, MedGen C1842839, MONDO:0011932, OMIM 607903.

Allele frequency attached by ClinVar (database versions not stated): 1000 Genomes Project 30x 0.39069; ESP Exome Variant Server 0.39174; 1000 Genomes Project 0.39337; TOPMed 0.39849; gnomAD 0.40506 and 0.40785; ExAC 0.44302; gnomAD exomes 0.44991.

Submissions (4):

Labcorp Genetics (formerly Invitae), Labcorp
Classification: Benign. Last evaluated: 2026-02-02. Review status: criteria provided, single submitter. Criteria: Invitae Variant Classification Sherloc (09022015). Collection method: clinical testing. Allele origin: germline.

GeneDx
Classification: Benign. Last evaluated: 2018-11-10. Review status: criteria provided, single submitter. Criteria: GeneDx Variant Classification Process June 2021. Collection method: clinical testing. Allele origin: germline. Affected: yes.

Illumina Laboratory Services, Illumina
Classification: Benign for Hypotrichosis 6. Last evaluated: 2018-01-12. Review status: criteria provided, single submitter. Criteria: ICSL Variant Classification Criteria 13 December 2019. Collection method: clinical testing. Allele origin: germline.
Comment: This variant was observed in the ICSL laboratory as part of a predisposition screen in an ostensibly healthy population. It had not been previously curated by ICSL or reported in the Human Gene Mutation Database (HGMD: prior to June 1st, 2018), and was therefore a candidate for classification through an automated scoring system. Utilizing variant allele frequency, disease prevalence and penetrance estimates, and inheritance mode, an automated score was calculated to assess if this variant is too frequent to cause the disease. Based on the score and internal cut-off values, a variant classified as benign is not then subjected to further curation. The score for this variant resulted in a classification of benign for this disease.

Breakthrough Genomics
Classification: Benign. Review status: criteria provided, single submitter. Criteria: ACMG Guidelines, 2015. Collection method: not provided. Allele origin: germline. Inheritance: Autosomal recessive inheritance. Affected: yes.